The following is an entry in ClinVar:

ClinVar aggregate classification (germline): Likely pathogenic (1 of 4 stars; one submission).

Conditions:
Aortic valve disease 1 (AOVD1). Identifiers: MedGen C3887892, MONDO:0024523, OMIM 109730.
Adams-Oliver syndrome 5 (AOS5). Identifiers: Orphanet 974, MedGen C4014970, MONDO:0014459, OMIM 616028.

Submission:

New York Genome Center
Classification: Likely pathogenic for Adams-Oliver syndrome 5; Aortic valve disease 1. Last evaluated: 2023-08-01. Review status: criteria provided, single submitter. Criteria: NYGC Assertion Criteria 2020. Collection method: clinical testing. Allele origin: de novo. Affected: yes. Observed: 1 variant allele, 1 heterozygote.
Comment: The c.7207C>T variant in NOTCH1 has not previously been reported in the literature or public variant repositories (ClinVar and LOVD), and is absent from populationdatabases (gnomAD v2.1.1 and v3.1.2, TOPMed Freeze 8, All of Us), suggesting it is not a common benign variant in the populations represented in those databases.The c.7207C>T variant in NOTCH1 is located in exon 34 of this 34-exon gene, is predicted to result in loss of the last 153 amino acids containing part of the transcriptional activation domain (TAD) (aa 2203-2423) and the entire PEST domain (aa 2500-2549) in the encoded protein via incorporating a premature termination codon (p.(Gln2403Ter)). Similar variants in the last exon disrupting the TAD and/or PEST domains have been reported in individuals with cardiovascular defects withor without other features of Adams-Oliver syndrome [PMID: 26820064, 28160419, 36866832], and one of those variants (NM_017617.5:c.6626_6629del:p.(Tyr2209CysfsTer38)) was found unable to promote transcription activation in response to the NOTCH1 ligand DLL4 [PMID:36866832]. Based on available evidence this c.7207C>T p.(Gln2403Ter) variant identified in NOTCH1 is classified as Likely Pathogenic.

NM_017617.5(NOTCH1):c.7207C>T (p.Gln2403Ter)

Gene: NOTCH1 (notch receptor 1; minus strand). Cytogenetic location: 9q34.3.
Variant type: single nucleotide variant.
Coding change: c.7207C>T on transcript NM_017617.5 (MANE Select); coding-DNA position 7207, C replaced by T.
Protein change: p.Gln2403Ter; replaces glutamine 2403 with a stop codon.
Molecular consequence: nonsense.
Genome position (GRCh38, 1-based): chr9:136,496,532, G>A on the plus strand (C>T on the coding strand, the complement: NOTCH1 is on the minus strand). VCF-style: chr9-136496532-G-A. GRCh37 (hg19) VCF-style: chr9-139390984-G-A.
Other names: short protein forms Q2403*.
Identifiers: ClinVar variation 4888346 (VCV004888346.1).